The following is an entry in ClinVar:

NM_001754.5(RUNX1):c.253C>T (p.His85Tyr)

Gene: RUNX1 (RUNX family transcription factor 1; minus strand). Cytogenetic location: 21q22.12.
Variant type: single nucleotide variant.
Coding change: c.253C>T on transcript NM_001754.5 (MANE Select); coding-DNA position 253, C replaced by T.
Protein change: p.His85Tyr; replaces histidine 85 with tyrosine.
Molecular consequence: missense variant.
Genome position (GRCh38, 1-based): chr21:34,886,941, G>A on the plus strand (C>T on the coding strand, the complement: RUNX1 is on the minus strand). VCF-style: chr21-34886941-G-A. GRCh37 (hg19) VCF-style: chr21-36259238-G-A.
Other names: NM_001754.5(RUNX1):c.253C>T; p.His85Tyr; c.172C>T, p.His58Tyr (NM_001001890.3, NM_001122607.2); c.253C>T (NM_001754.4); short protein forms H85Y, H58Y.
Identifiers: ClinVar variation 1432362 (VCV001432362.10), dbSNP rs121912500, ClinGen allele CA410203798.

ClinVar aggregate classification (germline): Uncertain significance. Review status: reviewed by expert panel (3 of 4 stars). 3 submissions from 3 submitters: Uncertain significance (1). 2 of the submissions do not count toward it. Last evaluated 2024-10-29.

Conditions:
Inborn genetic diseases. Identifiers: MedGen C0950123, MeSH D030342.
Hereditary thrombocytopenia and hematologic cancer predisposition syndrome. Identifiers: Orphanet 71290, MedGen CN281654, MONDO:0011071.
Hereditary thrombocytopenia and hematological cancer predisposition syndrome associated with RUNX1. Also called: Familial Platelet Disorder with Propensity to Acute Myelogenous Leukemia; Familial thrombocytopenia with propensity to acute myelogenous leukemia; RUNX1 Familial Platelet Disorder with Associated Myeloid Malignancies; PLATELET DISORDER, ASPIRIN-LIKE. Identifiers: Orphanet 71290, MedGen C1832388, MeSH C563324, MONDO:0100083, OMIM 601399.

Submissions (3):

ClinGen Myeloid Malignancy Variant Curation Expert Panel
Classification: Uncertain significance for Hereditary thrombocytopenia and hematologic cancer predisposition syndrome. Last evaluated: 2024-10-29. Review status: reviewed by expert panel. Criteria: ClinGen MyeloMalig ACMG Specifications v2. Collection method: curation. Allele origin: germline. Inheritance: Autosomal dominant inheritance.
Comment: NM_001754.5(RUNX1):c.253C>T (p.His85Tyr) is a missense variant which is completely absent from all population databases with at least 20x coverage for RUNX1 (PM2_Supporting). In summary, the clinical significance of this variant is uncertain. ACMG/AMP criteria applied, as specified by the Myeloid Malignancy Variant Curation Expert Panel for RUNX1: PM2_supporting.

Ambry Genetics
Classification: Uncertain significance for Inborn genetic diseases. Last evaluated: 2025-07-31. Review status: criteria provided, single submitter. Criteria: Ambry Variant Classification Scheme 2023. Collection method: clinical testing. Allele origin: germline. Not counted in ClinVar's aggregate classification.
Comment: The p.H85Y variant (also known as c.253C>T), located in coding exon 3 of the RUNX1 gene, results from a C to T substitution at nucleotide position 253. The histidine at codon 85 is replaced by tyrosine, an amino acid with similar properties. This amino acid position is highly conserved in available vertebrate species. In addition, this alteration is predicted to be deleterious by in silico analysis. Based on the available evidence, the clinical significance of this variant remains unclear.

Labcorp Genetics (formerly Invitae), Labcorp
Classification: Uncertain significance for Hereditary thrombocytopenia and hematological cancer predisposition syndrome associated with RUNX1. Last evaluated: 2020-12-25. Review status: criteria provided, single submitter. Criteria: Invitae Variant Classification Sherloc (09022015). Collection method: clinical testing. Allele origin: germline. Not counted in ClinVar's aggregate classification.
Comment: In summary, the available evidence is currently insufficient to determine the role of this variant in disease. Therefore, it has been classified as a Variant of Uncertain Significance. Algorithms developed to predict the effect of missense changes on protein structure and function are either unavailable or do not agree on the potential impact of this missense change (SIFT: "Tolerated"; PolyPhen-2: "Probably Damaging"; Align-GVGD: "Class C0"). This variant has not been reported in the literature in individuals with RUNX1-related conditions. This variant is not present in population databases (ExAC no frequency). This sequence change replaces histidine with tyrosine at codon 85 of the RUNX1 protein (p.His85Tyr). The histidine residue is moderately conserved and there is a moderate physicochemical difference between histidine and tyrosine.